The following is an entry in ClinVar:

ClinVar aggregate classification (germline): Uncertain significance. Review status: criteria provided, multiple submitters, no conflicts (2 of 4 stars). 2 submissions from 2 submitters: Uncertain significance (2). Last evaluated 2026-02-23.

Allele frequency attached by ClinVar (database versions not stated): gnomAD 0.00001; TOPMed 0.00001; ExAC 0.00005.
gnomAD v4.1: 25 of 1,551,582 alleles (0.0016%); highest among the groups gnomAD compares: Admixed American, 0.02%; no homozygotes.

Submissions (2):

GeneDx
Classification: Uncertain significance. Last evaluated: 2026-02-23. Review status: criteria provided, single submitter. Criteria: GeneDx Variant Classification Process June 2021. Collection method: clinical testing. Allele origin: germline.
Comment: In silico analysis suggests that this missense variant does not alter protein structure/function; Has not been previously published as pathogenic or benign to our knowledge

Labcorp Genetics (formerly Invitae), Labcorp
Classification: Uncertain significance. Last evaluated: 2022-09-27. Review status: criteria provided, single submitter. Criteria: Invitae Variant Classification Sherloc (09022015). Collection method: clinical testing. Allele origin: germline.
Comment: This sequence change replaces threonine, which is neutral and polar, with asparagine, which is neutral and polar, at codon 1805 of the LOXHD1 protein (p.Thr1805Asn). This variant is present in population databases (rs745652167, gnomAD 0.04%). This variant has not been reported in the literature in individuals affected with LOXHD1-related conditions. Algorithms developed to predict the effect of missense changes on protein structure and function are either unavailable or do not agree on the potential impact of this missense change (SIFT: "Deleterious"; PolyPhen-2: "Benign"; Align-GVGD: "Class C0"). In summary, the available evidence is currently insufficient to determine the role of this variant in disease. Therefore, it has been classified as a Variant of Uncertain Significance.

NM_001384474.1(LOXHD1):c.5600C>A (p.Thr1867Asn)

Gene: LOXHD1 (lipoxygenase homology PLAT domains 1; minus strand). Cytogenetic location: 18q21.1.
Variant type: single nucleotide variant.
Coding change: c.5600C>A on transcript NM_001384474.1 (MANE Select); coding-DNA position 5600, C replaced by A.
Protein change: p.Thr1867Asn; replaces threonine 1867 with asparagine.
Molecular consequence: missense variant.
Genome position (GRCh38, 1-based): chr18:46,507,630, G>T on the plus strand (C>A on the coding strand, the complement: LOXHD1 is on the minus strand). VCF-style: chr18-46507630-G-T. GRCh37 (hg19) VCF-style: chr18-44087593-G-T.
Other names: c.2267C>A, p.Thr756Asn (NM_001145472.3); c.317C>A, p.Thr106Asn (NM_001145473.3, NM_001173129.2); c.1979C>A, p.Thr660Asn (NM_001308013.2); c.5414C>A, p.Thr1805Asn (NM_144612.7); c.5414C>A (NM_144612.6); short protein forms T1867N, T756N, T106N, T1805N, T660N.
Identifiers: ClinVar variation 2043758 (VCV002043758.2), dbSNP rs745652167, ClinGen allele CA8952166.